The following is an entry in ClinVar:

NM_032578.4(MYPN):c.1899C>T (p.Asn633=)

Gene: MYPN (myopalladin; plus strand). Cytogenetic location: 10q21.3.
Variant type: single nucleotide variant.
Coding change: c.1899C>T on transcript NM_032578.4 (MANE Select); coding-DNA position 1899, C replaced by T.
Protein change: p.Asn633=; no amino-acid change (asparagine 633 retained).
Molecular consequence: synonymous variant. On other transcripts: non-coding transcript variant (2).
Genome position (GRCh38, 1-based): chr10:68,166,592, C>T. VCF-style: chr10-68166592-C-T. GRCh37 (hg19) VCF-style: chr10-69926349-C-T.
Other names: c.1899C>T, p.Asn633= (NM_001256267.2); c.1017C>T, p.Asn339= (NM_001256268.2).
Identifiers: ClinVar variation 522313 (VCV000522313.19), dbSNP rs147500426, ClinGen allele CA5522678.

ClinVar aggregate classification (germline): Likely benign. Review status: criteria provided, multiple submitters, no conflicts (2 of 4 stars). 6 submissions from 6 submitters: Likely benign (3). 3 of the submissions do not count toward it. Last evaluated 2025-12-08.

Conditions:
Cardiovascular phenotype. Identifiers: MedGen CN230736.
MYPN-related disorder. Also called: MYPN-related condition.
Dilated cardiomyopathy 1KK (CMD1KK). Identifiers: Orphanet 154, Orphanet 75249, MedGen C3714995, MONDO:0014100, OMIM 615248.

Allele frequency attached by ClinVar (database versions not stated): ExAC 0.00002; gnomAD 0.00003; TOPMed 0.00004; ESP Exome Variant Server 0.00008; 1000 Genomes Project 0.00020; 1000 Genomes Project 30x 0.00031.
gnomAD v4.1: 33 of 1,614,116 alleles (0.002%); highest among the groups gnomAD compares: Middle Eastern, 0.016%; no homozygotes.

Submissions (6):

Labcorp Genetics (formerly Invitae), Labcorp
Classification: Likely benign for Dilated cardiomyopathy 1KK. Last evaluated: 2025-12-08. Review status: criteria provided, single submitter. Criteria: Invitae Variant Classification Sherloc (09022015). Collection method: clinical testing. Allele origin: germline.

Ambry Genetics
Classification: Likely benign for Cardiovascular phenotype. Last evaluated: 2019-03-30. Review status: criteria provided, single submitter. Criteria: Ambry Variant Classification Scheme 2023. Collection method: clinical testing. Allele origin: germline.

Clinical Genetics DNA and cytogenetics Diagnostics Lab, Erasmus MC, Erasmus Medical Center
Classification: Likely benign for Dilated cardiomyopathy 1KK. Last evaluated: 2017-06-28. Review status: criteria provided, single submitter. Criteria: ACGS Guidelines, 2013. Collection method: clinical testing. Allele origin: germline. Affected: yes. Study: VKGL Data-share Consensus.

PreventionGenetics, part of Exact Sciences
Classification: Likely benign for MYPN-related condition. Last evaluated: 2021-02-04. Review status: no assertion criteria provided. Collection method: clinical testing. Allele origin: germline. Not counted in ClinVar's aggregate classification.
Comment: This variant is classified as likely benign based on ACMG/AMP sequence variant interpretation guidelines (Richards et al. 2015 PMID: 25741868, with internal and published modifications).

Clinical Genetics, Academic Medical Center
Classification: Benign. Review status: no assertion criteria provided. Collection method: clinical testing. Allele origin: germline. Affected: yes. Study: VKGL Data-share Consensus. Not counted in ClinVar's aggregate classification.

Joint Genome Diagnostic Labs from Nijmegen and Maastricht, Radboudumc and MUMC+
Classification: Likely benign. Review status: no assertion criteria provided. Collection method: clinical testing. Allele origin: germline. Affected: yes. Study: VKGL Data-share Consensus. Not counted in ClinVar's aggregate classification.